The following is an entry in ClinVar:

ClinVar aggregate classification (germline): Likely pathogenic (0 of 4 stars; one submission).

Conditions:
IFT74-related disorder. Also called: IFT74-related condition; IFT74-Related Disorders.

gnomAD v4.1: 8 of 1,610,394 alleles (0.0005%); highest among the groups gnomAD compares: East Asian, 0.0089%; no homozygotes.

Submission:

PreventionGenetics, part of Exact Sciences
Classification: Likely pathogenic for IFT74-related condition. Last evaluated: 2024-05-02. Review status: no assertion criteria provided. Collection method: clinical testing. Allele origin: germline.
Comment: The IFT74 c.862C>T variant is predicted to result in premature protein termination (p.Arg288*). To our knowledge, this variant has not been reported in the literature. This variant is reported in 0.0056% of alleles in individuals of East Asian descent in gnomAD. Nonsense variants in IFT74 are expected to be pathogenic. This variant is interpreted as likely pathogenic.

NM_025103.4(IFT74):c.862C>T (p.Arg288Ter)

Gene: IFT74 (intraflagellar transport 74; plus strand). Cytogenetic location: 9p21.2.
Variant type: single nucleotide variant.
Coding change: c.862C>T on transcript NM_025103.4 (MANE Select); coding-DNA position 862, C replaced by T.
Protein change: p.Arg288Ter; replaces arginine 288 with a stop codon.
Molecular consequence: nonsense.
Genome position (GRCh38, 1-based): chr9:27,016,979, C>T. VCF-style: chr9-27016979-C-T. GRCh37 (hg19) VCF-style: chr9-27016977-C-T.
Other names: c.862C>T, p.Arg288Ter (NM_001099222.3, NM_001099223.3, NM_001099224.3 and 1 more transcripts); short protein forms R288*.
Identifiers: ClinVar variation 3348680 (VCV003348680.1).